The following is an entry in ClinVar:

ClinVar aggregate classification (germline): Benign. Review status: criteria provided, multiple submitters, no conflicts (2 of 4 stars). 3 submissions from 3 submitters: Benign (3). Last evaluated 2026-02-02.

Conditions:
Ataxia-telangiectasia syndrome (AT). Also called: ATAXIA-TELANGIECTASIA, COMPLEMENTATION GROUP A; ATAXIA-TELANGIECTASIA, FRESNO VARIANT; Ataxia-telangiectasia; Ataxia-telangiectasia, complementation group D; AT, COMPLEMENTATION GROUP C; Ataxia-telangiectasia, complementation group E. Identifiers: Orphanet 100, MedGen C0004135, MONDO:0008840, OMIM 208900.

Allele frequency attached by ClinVar (database versions not stated): 1000 Genomes Project 0.51178; 1000 Genomes Project 30x 0.51249; TOPMed 0.51410; gnomAD 0.52017 and 0.52376; gnomAD exomes 0.55263.
gnomAD v4.1: 209,503 of 386,940 alleles (54%); highest among the groups gnomAD compares: Middle Eastern, 73%; 58,784 homozygotes.

Submissions (3):

Labcorp Genetics (formerly Invitae), Labcorp
Classification: Benign for Ataxia-telangiectasia syndrome. Last evaluated: 2026-02-02. Review status: criteria provided, single submitter. Criteria: Invitae Variant Classification Sherloc (09022015). Collection method: clinical testing. Allele origin: germline.

GeneDx
Classification: Benign. Last evaluated: 2017-12-15. Review status: criteria provided, single submitter. Criteria: GeneDx Variant Classification (06012015). Collection method: clinical testing. Allele origin: germline. Affected: yes.
Comment: This variant is considered likely benign or benign based on one or more of the following criteria: it is a conservative change, it occurs at a poorly conserved position in the protein, it is predicted to be benign by multiple in silico algorithms, and/or has population frequency not consistent with disease.

Breakthrough Genomics
Classification: Benign. Review status: criteria provided, single submitter. Criteria: ACMG Guidelines, 2015. Collection method: not provided. Allele origin: germline. Inheritance: Autosomal recessive inheritance. Affected: yes.

NM_000051.4(ATM):c.3994-193T>C

Gene: ATM (ATM serine/threonine kinase; plus strand). Cytogenetic location: 11q22.3.
Variant type: single nucleotide variant.
Coding change: c.3994-193T>C on transcript NM_000051.4 (MANE Select); 193 bases into the intron before coding-DNA position 3994, T replaced by C.
Molecular consequence: intron variant.
Genome position (GRCh38, 1-based): chr11:108,287,407, T>C. VCF-style: chr11-108287407-T-C. GRCh37 (hg19) VCF-style: chr11-108158134-T-C.
Other names: c.3994-193T>C (NM_001351834.2).
Identifiers: ClinVar variation 516633 (VCV000516633.11), dbSNP rs609261, ClinGen allele CA15686552.